The following is an entry in ClinVar:

NM_024757.5(EHMT1):c.3809_3835del (p.Leu1270_Ala1278del)

Gene: EHMT1 (euchromatic histone lysine methyltransferase 1; plus strand). Cytogenetic location: 9q34.3.
Variant type: Deletion.
Coding change: c.3809_3835del on transcript NM_024757.5 (MANE Select); coding-DNA positions 3809 to 3835, 27 bases deleted (TGGCCCAGCGTCAGGCCAGCGCGGCCC).
Protein change: p.Leu1270_Ala1278del.
Molecular consequence: inframe deletion.
Genome position (GRCh38, 1-based): chr9:137,834,865-137,834,891, TGGCCCAGCGTCAGGCCAGCGCGGCCC deleted; deleting any 27 consecutive bases within chr9:137,834,855-137,834,891 gives the same sequence; the c. name uses the placement nearest the transcript's 3' end. VCF-style (leftmost placement, unchanged base first): chr9-137834854-GAGCGCGGCCCTGGCCCAGCGTCAGGCC-G. GRCh37 (hg19) VCF-style: chr9-140729306-GAGCGCGGCCCTGGCCCAGCGTCAGGCC-G.
Other names: c.3788_3814del, p.Leu1263_Ala1271del (NM_001354263.2).
Identifiers: ClinVar variation 2770958 (VCV002770958.3), dbSNP rs1408206069, ClinGen allele CA591376046.

ClinVar aggregate classification (germline): Uncertain significance (1 of 4 stars; one submission).

Conditions:
Kleefstra syndrome 1 (KLEFS1). Identifiers: Orphanet 261494, MedGen C0795833, MONDO:0027407, OMIM 610253.

Submission:

Labcorp Genetics (formerly Invitae), Labcorp
Classification: Uncertain significance for Kleefstra syndrome 1. Last evaluated: 2024-02-13. Review status: criteria provided, single submitter. Criteria: Invitae Variant Classification Sherloc (09022015). Collection method: clinical testing. Allele origin: germline.
Comment: This variant, c.3809_3835del, results in the deletion of 9 amino acid(s) of the EHMT1 protein (p.Leu1270_Ala1278del), but otherwise preserves the integrity of the reading frame. This variant is present in population databases (no rsID available, gnomAD 0.0009%). This variant has not been reported in the literature in individuals affected with EHMT1-related conditions. Experimental studies and prediction algorithms are not available or were not evaluated, and the functional significance of this variant is currently unknown. In summary, the available evidence is currently insufficient to determine the role of this variant in disease. Therefore, it has been classified as a Variant of Uncertain Significance.